The following is an entry in ClinVar:

NM_001356.5(DDX3X):c.986A>G (p.Asp329Gly)

Gene: DDX3X (DEAD-box helicase 3 X-linked; plus strand). Cytogenetic location: Xp11.4.
Variant type: single nucleotide variant.
Coding change: c.986A>G on transcript NM_001356.5 (MANE Select); coding-DNA position 986, A replaced by G.
Protein change: p.Asp329Gly; replaces aspartic acid 329 with glycine.
Molecular consequence: missense variant. On other transcripts: non-coding transcript variant (1).
Genome position (GRCh38, 1-based): chrX:41,344,360, A>G. VCF-style: chrX-41344360-A-G. GRCh37 (hg19) VCF-style: chrX-41203613-A-G.
Other names: NC_000023.10:g.41203613A>G; c.986A>G, p.Asp329Gly (NM_001193416.3); c.938A>G, p.Asp313Gly (NM_001193417.3); c.428A>G, p.Asp143Gly (NM_001363819.1); short protein forms D143G, D313G, D329G.
Identifiers: ClinVar variation 2574969 (VCV002574969.3), dbSNP rs2519515417, ClinGen allele CA412771105.

ClinVar aggregate classification (germline): Pathogenic (1 of 4 stars; one submission).
ClinVar aggregate classification (somatic clinical impact): Tier II - Potential (1 of 4 stars; one submission).

Conditions:
Medulloblastoma non-WNT/non-SHH group 3. Identifiers: MedGen C4330665, MONDO:0956966.

Submissions (3):

Institute for Genomic Medicine (IGM) Clinical Laboratory, Nationwide Children's Hospital
Classification: Tier II - Potential for Medulloblastoma non-WNT/non-SHH group 3. Assertion type: diagnostic. Clinical significance: supports diagnosis. Last evaluated: 2025-01-22. Review status: criteria provided, single submitter. Criteria: AMP/ASCO/CAP Guidelines, 2017. Collection method: clinical testing. Allele origin: somatic. Affected: yes.
Comment: Variant has Tier II (potential) clinical significance as a diagnostic inclusion criterion in medulloblastoma non-WNT/non-SHH group 3, based on the following evidence: 1) Information in the literature supports potential biologic effect of variant (PMID: 38057330). 2) Diagnostic significance based on multiple small studies (Evidence Level C; PMIDs: 22820256, 22832583, 22722829, 28726821).

GeneDx
Classification: Pathogenic. Last evaluated: 2023-02-05. Review status: criteria provided, single submitter. Criteria: GeneDx Variant Classification Process June 2021. Collection method: clinical testing. Allele origin: germline. Affected: yes.
Comment: Not observed at significant frequency in large population cohorts (gnomAD); In silico analysis supports that this missense variant has a deleterious effect on protein structure/function; In silico analysis supports that this missense variant has a deleterious effect on splicing; Has not been previously published as pathogenic or benign to our knowledge

Dr. Peter K. Rogan Lab, Western University
No classification provided (evidence only). Condition: Thyroid cancer, nonmedullary, 1. Review status: no classification provided. Collection method: in vitro. Allele origin: not applicable. Functional consequence: skipped exon. Not counted in ClinVar's aggregate classification.

Literature cited by the submitters: PubMed 38057330 (cited by Institute for Genomic Medicine (IGM) Clinical Laboratory, Nationwide Children's Hospital); PubMed 22820256 (cited by Institute for Genomic Medicine (IGM) Clinical Laboratory, Nationwide Children's Hospital); PubMed 22832583 (cited by Institute for Genomic Medicine (IGM) Clinical Laboratory, Nationwide Children's Hospital); PubMed 22722829 (cited by Institute for Genomic Medicine (IGM) Clinical Laboratory, Nationwide Children's Hospital); PubMed 28726821 (cited by Institute for Genomic Medicine (IGM) Clinical Laboratory, Nationwide Children's Hospital).